The following is an entry in ClinVar:

ClinVar aggregate classification (germline): Uncertain significance (1 of 4 stars; one submission).

Conditions:
Hereditary cancer-predisposing syndrome. Also called: Tumor predisposition; Neoplastic Syndromes, Hereditary; Hereditary neoplastic syndrome; Hereditary Cancer Syndrome. Identifiers: Orphanet 140162, MedGen C0027672, MeSH D009386, MONDO:0015356.

Submission:

Ambry Genetics
Classification: Uncertain significance for Hereditary cancer-predisposing syndrome. Last evaluated: 2024-11-23. Review status: criteria provided, single submitter. Criteria: Ambry Variant Classification Scheme 2023. Collection method: clinical testing. Allele origin: germline.
Comment: The p.T401R variant (also known as c.1202C>G), located in coding exon 10 of the SMARCE1 gene, results from a C to G substitution at nucleotide position 1202. The threonine at codon 401 is replaced by arginine, an amino acid with similar properties. This amino acid position is conserved. In addition, this alteration is predicted to be tolerated by in silico analysis. Based on the available evidence, the clinical significance of this variant remains unclear.

NM_003079.5(SMARCE1):c.1202C>G (p.Thr401Arg)

Gene: SMARCE1 (SWI/SNF related BAF chromatin remodeling complex subunit E1; minus strand). Cytogenetic location: 17q21.2.
Variant type: single nucleotide variant.
Coding change: c.1202C>G on transcript NM_003079.5 (MANE Select); coding-DNA position 1202, C replaced by G.
Protein change: p.Thr401Arg; replaces threonine 401 with arginine.
Molecular consequence: missense variant.
Genome position (GRCh38, 1-based): chr17:40,628,819, G>C on the plus strand (C>G on the coding strand, the complement: SMARCE1 is on the minus strand). VCF-style: chr17-40628819-G-C. GRCh37 (hg19) VCF-style: chr17-38785071-G-C.
Other names: short protein forms T401R.
Identifiers: ClinVar variation 3446157 (VCV003446157.1).